The following is an entry in ClinVar:

ClinVar aggregate classification (germline): Uncertain significance (1 of 4 stars; one submission).

Conditions:
RUNX1-IT1 related disorder.

Submission:

GeneDx
Classification: Uncertain significance for RUNX1-IT1 related disorder. Review status: criteria provided, single submitter. Criteria: GeneDx Variant Classification Process June 2021. Collection method: clinical testing. Allele origin: germline. Affected: yes.

NM_175634.3(RUNX1T1):c.1315G>A (p.Gly439Arg)

Gene: RUNX1T1 (RUNX1 partner transcriptional co-repressor 1; minus strand). Cytogenetic location: 8q21.3.
Variant type: single nucleotide variant.
Coding change: c.1315G>A on transcript NM_175634.3 (MANE Select); coding-DNA position 1315, G replaced by A.
Protein change: p.Gly439Arg; replaces glycine 439 with arginine.
Molecular consequence: missense variant.
Genome position (GRCh38, 1-based): chr8:91,975,938, C>T on the plus strand (G>A on the coding strand, the complement: RUNX1T1 is on the minus strand). VCF-style: chr8-91975938-C-T. GRCh37 (hg19) VCF-style: chr8-92988166-C-T.
Other names: c.1234G>A, p.Gly412Arg (NM_001198625.2, NM_001198632.2, NM_004349.4); c.1315G>A, p.Gly439Arg (NM_001198626.2, NM_001198627.2, NM_001198628.2 and 3 more transcripts); c.1255G>A, p.Gly419Arg (NM_001198633.2); c.1348G>A, p.Gly450Arg (NM_001198634.2); c.1492G>A, p.Gly498Arg (NM_001198679.3); c.1399G>A, p.Gly467Arg (NM_001395209.1); c.1204G>A, p.Gly402Arg (NM_175635.3, NM_175636.2); short protein forms G402R, G412R, G419R, G439R, G450R, G467R, G498R.
Identifiers: ClinVar variation 3337990 (VCV003337990.1).